The following is an entry in ClinVar:

NM_022124.6(CDH23):c.336+3G>A

Genes: CDH23 (cadherin related 23; plus strand), CDH23-AS1 (CDH23 antisense RNA 1; minus strand). Cytogenetic location: 10q22.1.
Variant type: single nucleotide variant.
Coding change: c.336+3G>A on transcript NM_022124.6 (MANE Select); 3 bases into the intron after coding-DNA position 336, G replaced by A.
Molecular consequence: intron variant.
Genome position (GRCh38, 1-based): chr10:71,511,004, G>A. VCF-style: chr10-71511004-G-A. GRCh37 (hg19) VCF-style: chr10-73270761-G-A.
Other names: c.336+3G>A (NM_001171930.2, NM_001171931.2, NM_052836.4 and 1 more transcripts).
Identifiers: ClinVar variation 4980665 (VCV004980665.1).

ClinVar aggregate classification (germline): Likely benign (1 of 4 stars; one submission).

Conditions:
CDH23-related disorder. Also called: CDH23-related condition; CDH23-related disorders.

Submission:

PreventionGenetics, part of Exact Sciences
Classification: Likely benign for CDH23-related condition. Last evaluated: 2025-02-03. Review status: criteria provided, single submitter. Criteria: ACMG Guidelines, 2015. Collection method: clinical testing. Allele origin: germline.
Comment: This variant is classified as likely benign based on ACMG/AMP sequence variant interpretation guidelines (Richards et al. 2015 PMID: 25741868, with internal and published modifications).